The following is an entry in ClinVar:

NM_001034853.2(RPGR):c.1721C>T (p.Thr574Met)

Gene: RPGR (retinitis pigmentosa GTPase regulator; minus strand). Cytogenetic location: Xp11.4.
Variant type: single nucleotide variant.
Coding change: c.1721C>T on transcript NM_001034853.2 (MANE Select); coding-DNA position 1721, C replaced by T.
Protein change: p.Thr574Met; replaces threonine 574 with methionine.
Molecular consequence: missense variant. On other transcripts: non-coding transcript variant (1), intron variant (5).
Genome position (GRCh38, 1-based): chrX:38,287,893, G>A on the plus strand (C>T on the coding strand, the complement: RPGR is on the minus strand). VCF-style: chrX-38287893-G-A. GRCh37 (hg19) VCF-style: chrX-38147146-G-A.
Other names: NM_001034853.2(RPGR):c.1721C>T; p.Thr574Met; c.1721C>T, p.Thr574Met (NM_000328.3); c.1718C>T, p.Thr573Met (NM_001367245.1); c.1535C>T, p.Thr512Met (NM_001367246.1); c.1569+3066C>T (NM_001367249.1, NM_001367250.1); c.1386+3066C>T (NM_001367251.1); c.1572+3066C>T (NM_001367247.1); and 1 more; short protein forms T573M, T574M, T512M.
Identifiers: ClinVar variation 696958 (VCV000696958.38), dbSNP rs202013664, ClinGen allele CA10385415.

ClinVar aggregate classification (germline): Benign. Review status: reviewed by expert panel (3 of 4 stars). 6 submissions from 6 submitters: Benign (1). 5 of the submissions do not count toward it. Last evaluated 2025-08-03.

Conditions:
Retinal dystrophy. Also called: Inherited retinal dystrophy. Identifiers: Orphanet 71862, MedGen C0854723, MeSH D058499, MONDO:0019118, HP:0000556.
RPGR-related retinopathy. Also called: RPGR retinopathy. Identifiers: MedGen CN305589, MONDO:0100437.
Primary ciliary dyskinesia. Also called: Ciliary dyskinesia. Identifiers: Orphanet 244, MedGen C0008780, MONDO:0016575, HP:0012265.

Allele frequency attached by ClinVar (database versions not stated): ExAC 0.00011; gnomAD exomes 0.00011 and 0.00014; 1000 Genomes Project 30x 0.00021; TOPMed 0.00024; gnomAD 0.00025 and 0.00027; 1000 Genomes Project 0.00026; ESP Exome Variant Server 0.00047.
gnomAD v4.1: 171 of 1,209,079 alleles (0.014%); highest among the groups gnomAD compares: African/African-American, 0.086%; 1 homozygote.

Submissions (6):

ClinGen X-linked Inherited Retinal Disease Variant Curation Expert Panel, ClinGen
Classification: Benign for RPGR-related retinopathy. Last evaluated: 2025-08-03. Review status: reviewed by expert panel. Criteria: ClinGen X LinkedIRD ACMG Specifications RPGR V1.0.0. Collection method: curation. Allele origin: germline. Inheritance: X-linked inheritance.
Comment: NM_001034853.2(RPGR):c.1721C>T is a missense variant predicted to cause substitution of threonine by methionine at amino acid 574. This variant is present in gnomAD v.4.1.0 at a frequency of 0.0001361 among hemizygous individuals, with 54 variant alleles / 396,721 total hemizygous alleles, which is higher than the ClinGen X-linked IRD VCEP BA1 threshold of >0.00005 (BA1). This variant has been observed in at least 1 individual with no features or family history of RPGR-related RP, a condition with full penetrance at an early age (PMID: 31213501). However, it is not clear whether this individual underwent a complete visual examination, so BS2 was not met. The computational predictor REVEL gives a score of 0.008, which is below the ClinGen X-linked IRD VCEP threshold of < 0.016 and predicts a non-damaging effect on RPGR function. However, the splicing impact predictor SpliceAI gives a delta score of 0.15 for donor loss, which falls in the intermediate range above the ClinGen X-linked IRD VCEP recommended BP4 threshold of <0.1 but below the PP3 threshold of >0.2, so neither in silico code is met. In summary, this variant is classified as benign for RPGR-related retinopathy based on the ClinGen X-linked Inherited Retinal Disease Expert Panel Specifications to the ACMG/AMP Variant Interpretation Guidelines for RPGR Version 1.0.0; BA1. (date of approval 05/16/2025).

Labcorp Genetics (formerly Invitae), Labcorp
Classification: Benign for Primary ciliary dyskinesia. Last evaluated: 2026-01-21. Review status: criteria provided, single submitter. Criteria: Invitae Variant Classification Sherloc (09022015). Collection method: clinical testing. Allele origin: germline. Not counted in ClinVar's aggregate classification.

Blueprint Genetics
Classification: Likely benign. Last evaluated: 2024-06-28. Review status: criteria provided, single submitter. Criteria: ACMG Guidelines, 2015. Collection method: clinical testing. Allele origin: germline. Not counted in ClinVar's aggregate classification.

Ambry Genetics
Classification: Benign for Primary ciliary dyskinesia. Last evaluated: 2022-09-29. Review status: criteria provided, single submitter. Criteria: Ambry Variant Classification Scheme 2023. Collection method: clinical testing. Allele origin: germline. Not counted in ClinVar's aggregate classification.

CeGaT Center for Human Genetics Tuebingen
Classification: Likely benign. Last evaluated: 2022-03-01. Review status: criteria provided, single submitter. Criteria: CeGaT Center For Human Genetics Tuebingen Variant Classification Criteria Version 2. Collection method: clinical testing. Allele origin: germline. Affected: yes. Observed: 1 variant allele. Not counted in ClinVar's aggregate classification.
Comment: RPGR: BP4, BS2

Institute of Human Genetics, Univ. Regensburg, Univ. Regensburg
Classification: Uncertain significance for Retinal dystrophy. Last evaluated: 2008-01-01. Review status: no assertion criteria provided. Criteria: ACMG Guidelines, 2015. Collection method: clinical testing. Allele origin: germline. Affected: yes. Not counted in ClinVar's aggregate classification.